The following is an entry in ClinVar:

ClinVar aggregate classification (germline): Pathogenic. Review status: criteria provided, multiple submitters, no conflicts (2 of 4 stars). 2 submissions from 2 submitters: Pathogenic (2). Last evaluated 2023-11-03.

Conditions:
Ceroid lipofuscinosis, neuronal, 6A. Also called: Neuronal ceroid lipofuscinosis, Gypsy/Indian early juvenile variant; Neuronal ceroid lipofuscinosis 6; CLN6-Related Neuronal Ceroid-Lipofuscinosis; Neuronal ceroid lipofuscinosis, late infantile, variant. Identifiers: Orphanet 168491, Orphanet 228363, MedGen C5551375, MONDO:0011144, OMIM 601780.
Neuronal ceroid lipofuscinosis. Also called: Neuronal Ceroid Lipofuscinoses. Identifiers: Orphanet 216, Orphanet 79263, MedGen C0027877, MONDO:0016295. Disease mechanism: loss of function.

Allele frequency attached by ClinVar (database versions not stated): gnomAD exomes below 0.00001 and 0.00001.
gnomAD v4.1: 2 of 1,466,128 alleles (0.00014%); highest among the groups gnomAD compares: Non-Finnish European, 0.00018%; no homozygotes.

Submissions (2):

Women's Health and Genetics/Laboratory Corporation of America, LabCorp
Classification: Pathogenic for Neuronal ceroid lipofuscinosis. Last evaluated: 2023-11-03. Review status: criteria provided, single submitter. Criteria: LabCorp Variant Classification Summary - May 2015. Collection method: clinical testing. Allele origin: germline.
Comment: Variant summary: CLN6 c.83G>A (p.Arg28Lys) results in a conservative amino acid change in the encoded protein sequence. Three of five in-silico tools predict a benign effect of the variant on protein function. The variant allele was found at a frequency of 1.2e-05 in 80828 control chromosomes. c.83G>A has been reported in the literature in multiple individuals affected with Neuronal Ceroid-Lipofuscinosis (Al-Murshedi_2019, Rus_2022). These data indicate that the variant is very likely to be associated with disease. To our knowledge, no experimental evidence demonstrating an impact on protein function has been reported. The following publications have been ascertained in the context of this evaluation (PMID: 29709712, 35505348). One submitter has cited clinical-significance assessments for this variant to ClinVar after 2014 and has classified the variant as pathogenic. Based on the evidence outlined above, the variant was classified as pathogenic.

Department of Genetics, Sultan Qaboos University Hospital
Classification: Pathogenic for Ceroid lipofuscinosis, neuronal, 6A. Last evaluated: 2017-12-30. Review status: criteria provided, single submitter. Criteria: ACMG Guidelines, 2015. Collection method: clinical testing. Allele origin: unknown. Affected: yes.

Literature cited by the submitters: PubMed 35505348 (cited by Women's Health and Genetics/Laboratory Corporation of America, LabCorp); PubMed 29709712 (cited by Women's Health and Genetics/Laboratory Corporation of America, LabCorp).

NM_017882.3(CLN6):c.83G>A (p.Arg28Lys)

Gene: CLN6 (CLN6 transmembrane ER protein; minus strand). Cytogenetic location: 15q23.
Variant type: single nucleotide variant.
Coding change: c.83G>A on transcript NM_017882.3 (MANE Select); coding-DNA position 83, G replaced by A.
Protein change: p.Arg28Lys; replaces arginine 28 with lysine.
Molecular consequence: missense variant.
Genome position (GRCh38, 1-based): chr15:68,229,502, C>T on the plus strand (G>A on the coding strand, the complement: CLN6 is on the minus strand). VCF-style: chr15-68229502-C-T. GRCh37 (hg19) VCF-style: chr15-68521840-C-T.
Other names: short protein forms R28K.
Identifiers: ClinVar variation 623397 (VCV000623397.3), dbSNP rs1381427322, ClinGen allele CA392978054.